The following is an entry in ClinVar:

ClinVar aggregate classification (germline): Uncertain significance (1 of 4 stars; one submission).

Submission:

Labcorp Genetics (formerly Invitae), Labcorp
Classification: Uncertain significance. Last evaluated: 2022-03-31. Review status: criteria provided, single submitter. Criteria: Invitae Variant Classification Sherloc (09022015). Collection method: clinical testing. Allele origin: germline.
Comment: This sequence change replaces proline, which is neutral and non-polar, with threonine, which is neutral and polar, at codon 1753 of the COL7A1 protein (p.Pro1753Thr). This variant is not present in population databases (gnomAD no frequency). This variant has not been reported in the literature in individuals affected with COL7A1-related conditions. Advanced modeling of protein sequence and biophysical properties (such as structural, functional, and spatial information, amino acid conservation, physicochemical variation, residue mobility, and thermodynamic stability) performed at Invitae indicates that this missense variant is not expected to disrupt COL7A1 protein function. In summary, the available evidence is currently insufficient to determine the role of this variant in disease. Therefore, it has been classified as a Variant of Uncertain Significance.

NM_000094.4(COL7A1):c.5257C>A (p.Pro1753Thr)

Gene: COL7A1 (collagen type VII alpha 1 chain; minus strand). Cytogenetic location: 3p21.31.
Variant type: single nucleotide variant.
Coding change: c.5257C>A on transcript NM_000094.4 (MANE Select); coding-DNA position 5257, C replaced by A.
Protein change: p.Pro1753Thr; replaces proline 1753 with threonine.
Molecular consequence: missense variant.
Genome position (GRCh38, 1-based): chr3:48,579,494, G>T on the plus strand (C>A on the coding strand, the complement: COL7A1 is on the minus strand). VCF-style: chr3-48579494-G-T. GRCh37 (hg19) VCF-style: chr3-48616927-G-T.
Other names: short protein forms P1753T.
Identifiers: ClinVar variation 2097502 (VCV002097502.1), dbSNP rs2531060187, ClinGen allele CA352676763.
Genomic context (GRCh38, chr3:48,579,494, plus strand): 5'-AGGGTAAGATGGGGACTTGGCAGACGGGGCAAAGTGCATCACTCACCTGTGGGCCTGGGG[G>T]TCCCCGAAACCCTTCAATGCCCTGAGGATAGGGGAGGAAGAAATCAGAGCAGGCCCTCCC-3'
Protein context (NP_000085.1, residues 1743-1763): GERGIEGFRG[Pro1753Thr]PGPQGDPGVR